The following is an entry in ClinVar:

NM_015335.5(MED13L):c.674A>G (p.Tyr225Cys)

Gene: MED13L (mediator complex subunit 13L; minus strand). Cytogenetic location: 12q24.21.
Variant type: single nucleotide variant.
Coding change: c.674A>G on transcript NM_015335.5 (MANE Select); coding-DNA position 674, A replaced by G.
Protein change: p.Tyr225Cys; replaces tyrosine 225 with cysteine.
Molecular consequence: missense variant.
Genome position (GRCh38, 1-based): chr12:116,019,924, T>C on the plus strand (A>G on the coding strand, the complement: MED13L is on the minus strand). VCF-style: chr12-116019924-T-C. GRCh37 (hg19) VCF-style: chr12-116457729-T-C.
Other names: short protein forms Y225C.
Identifiers: ClinVar variation 4875314 (VCV004875314.2).
Genomic context (GRCh38, chr12:116,019,924, plus strand): 5'-ATCGGGTAGAAATACTGCCATTCCTCAATCAACTTACGAGTGGCTGGGTCTGACATCTTG[T>C]ATGCTTGGCCTGTTAGCGTCCCATTTAAGCCATAAGGACTTACCAGTACTATGGAGGGGA-3'
Protein context (NP_056150.1, residues 215-235): GLNGTLTGQA[Tyr225Cys]KMSDPATRKL

ClinVar aggregate classification (germline): Likely benign (1 of 4 stars; one submission).

Submission:

CeGaT Center for Human Genetics Tuebingen
Classification: Likely benign. Last evaluated: 2026-06-01. Review status: criteria provided, single submitter. Criteria: CeGaT Center For Human Genetics Tuebingen Variant Classification Criteria Version 2. Collection method: clinical testing. Allele origin: germline. Affected: yes. Observed: 1 variant allele.
Comment: MED13L: PM2, PP3, BS2